The following is an entry in ClinVar:

NM_006389.5(HYOU1):c.770C>T (p.Pro257Leu)

Gene: HYOU1 (hypoxia up-regulated 1; minus strand). Cytogenetic location: 11q23.3.
Variant type: single nucleotide variant.
Coding change: c.770C>T on transcript NM_006389.5 (MANE Select); coding-DNA position 770, C replaced by T.
Protein change: p.Pro257Leu; replaces proline 257 with leucine.
Molecular consequence: missense variant.
Genome position (GRCh38, 1-based): chr11:119,054,145, G>A on the plus strand (C>T on the coding strand, the complement: HYOU1 is on the minus strand). VCF-style: chr11-119054145-G-A. GRCh37 (hg19) VCF-style: chr11-118924857-G-A.
Other names: c.770C>T, p.Pro257Leu (NM_001130991.3); short protein forms P257L.
Identifiers: ClinVar variation 1389633 (VCV001389633.6), dbSNP rs1333676786, ClinGen allele CA382946914.
Genomic context (GRCh38, chr11:119,054,145, plus strand): 5'-TTCACAAGCAGCCCTCCCTGCCAAGTATCCACTTACCCTACTCCCCGGATCTGCAGCTGT[G>A]GCTGCATCCCAGCTTCCTTAGTCTTCACCATCTGGTAGGTCACAATGGTGCATACGGTGC-3'
Protein context (NP_006380.1, residues 247-267): MVKTKEAGMQ[Pro257Leu]QLQIRGVGFD

ClinVar aggregate classification (germline): Uncertain significance (1 of 4 stars; one submission).

Allele frequency attached by ClinVar (database versions not stated): gnomAD exomes 0.00001.
gnomAD v4.1: 9 of 1,612,384 alleles (0.00056%); highest among the groups gnomAD compares: Admixed American, 0.0017%; no homozygotes.

Submission:

Labcorp Genetics (formerly Invitae), Labcorp
Classification: Uncertain significance. Last evaluated: 2023-07-21. Review status: criteria provided, single submitter. Criteria: Invitae Variant Classification Sherloc (09022015). Collection method: clinical testing. Allele origin: germline.
Comment: In summary, the available evidence is currently insufficient to determine the role of this variant in disease. Therefore, it has been classified as a Variant of Uncertain Significance. An algorithm developed to predict the effect of missense changes on protein structure and function (PolyPhen-2) suggests that this variant is likely to be disruptive. ClinVar contains an entry for this variant (Variation ID: 1389633). This variant has not been reported in the literature in individuals affected with HYOU1-related conditions. This variant is present in population databases (no rsID available, gnomAD 0.003%). This sequence change replaces proline, which is neutral and non-polar, with leucine, which is neutral and non-polar, at codon 257 of the HYOU1 protein (p.Pro257Leu).